The following is an entry in ClinVar:

ClinVar aggregate classification (germline): Uncertain significance. Review status: criteria provided, multiple submitters, no conflicts (2 of 4 stars). 2 submissions from 2 submitters: Uncertain significance (2). Last evaluated 2024-12-11.

Conditions:
Inborn genetic diseases. Identifiers: MedGen C0950123, MeSH D030342.

Submissions (2):

Ambry Genetics
Classification: Uncertain significance for Inborn genetic diseases. Last evaluated: 2024-12-11. Review status: criteria provided, single submitter. Criteria: Ambry Variant Classification Scheme 2023. Collection method: clinical testing. Allele origin: germline.

Labcorp Genetics (formerly Invitae), Labcorp
Classification: Uncertain significance. Last evaluated: 2022-04-11. Review status: criteria provided, single submitter. Criteria: Invitae Variant Classification Sherloc (09022015). Collection method: clinical testing. Allele origin: germline.
Comment: This variant is not present in population databases (gnomAD no frequency). In summary, the available evidence is currently insufficient to determine the role of this variant in disease. Therefore, it has been classified as a Variant of Uncertain Significance. Algorithms developed to predict the effect of missense changes on protein structure and function are either unavailable or do not agree on the potential impact of this missense change (SIFT: "Deleterious"; PolyPhen-2: "Possibly Damaging"; Align-GVGD: "Class C0"). This variant has not been reported in the literature in individuals affected with LPIN1-related conditions. This sequence change replaces arginine, which is basic and polar, with methionine, which is neutral and non-polar, at codon 263 of the LPIN1 protein (p.Arg263Met).

NM_001349206.2(LPIN1):c.896G>T (p.Arg299Met)

Genes: LPIN1 (lipin 1; plus strand), LOC126806147 (CDK7 strongly-dependent group 2 enhancer GRCh37_chr2:11919054-11920253; plus strand). Cytogenetic location: 2p25.1.
Variant type: single nucleotide variant.
Coding change: c.896G>T on transcript NM_001349206.2 (MANE Select); coding-DNA position 896, G replaced by T.
Protein change: p.Arg299Met; replaces arginine 299 with methionine.
Molecular consequence: missense variant. On other transcripts: non-coding transcript variant (1).
Genome position (GRCh38, 1-based): chr2:11,779,584, G>T. VCF-style: chr2-11779584-G-T. GRCh37 (hg19) VCF-style: chr2-11919710-G-T.
Other names: c.806G>T, p.Arg269Met (NM_001261427.3); c.1043G>T, p.Arg348Met (NM_001261428.3); c.788G>T, p.Arg263Met (NM_001349199.2, NM_001349200.2, NM_001349201.2 and 1 more transcripts); c.893G>T, p.Arg298Met (NM_001349202.2, NM_001349203.2); c.896G>T, p.Arg299Met (NM_001349204.2, NM_001349205.2); c.986G>T, p.Arg329Met (NM_001349207.2); c.935G>T, p.Arg312Met (NM_001349208.2); c.788G>T (NM_145693.1); short protein forms R299M, R269M, R329M, R348M, R263M, R312M, R298M.
Identifiers: ClinVar variation 1899853 (VCV001899853.4), dbSNP rs947818302, ClinGen allele CA42601847.